The following is an entry in ClinVar:

NM_005228.5(EGFR):c.2349C>T (p.Thr783=)

Genes: EGFR (epidermal growth factor receptor; plus strand), EGFR-AS1 (EGFR antisense RNA 1; minus strand). Cytogenetic location: 7p11.2.
Variant type: single nucleotide variant.
Coding change: c.2349C>T on transcript NM_005228.5 (MANE Select); coding-DNA position 2349, C replaced by T.
Protein change: p.Thr783=; no amino-acid change (threonine 783 retained).
Molecular consequence: synonymous variant. On other transcripts: non-coding transcript variant (1).
Genome position (GRCh38, 1-based): chr7:55,181,358, C>T. VCF-style: chr7-55181358-C-T. GRCh37 (hg19) VCF-style: chr7-55249051-C-T.
Other names: c.2214C>T, p.Thr738= (NM_001346897.2, NM_001346899.2); c.2349C>T, p.Thr783= (NM_001346898.2); c.2190C>T, p.Thr730= (NM_001346900.2); c.1548C>T, p.Thr516= (NM_001346941.2).
Identifiers: ClinVar variation 45269 (VCV000045269.13), dbSNP rs397517122, ClinGen allele CA135890.

ClinVar aggregate classification (germline): Benign/Likely benign. Review status: criteria provided, multiple submitters, no conflicts (2 of 4 stars). 4 submissions from 4 submitters: Benign (1); Likely benign (2). 1 of the submissions does not count toward it. Last evaluated 2026-08-29.

Conditions:
Lung cancer. Also called: Lung cancer, somatic; Malignant tumor of lung. Identifiers: MedGen C0242379, MONDO:0008903, OMIM 211980.
EGFR-related lung cancer (EGFR). Identifiers: MedGen CN130014.
Hereditary cancer-predisposing syndrome. Also called: Neoplastic Syndromes, Hereditary; Hereditary neoplastic syndrome; Hereditary Cancer Syndrome; Tumor predisposition. Identifiers: Orphanet 140162, MedGen C0027672, MeSH D009386, MONDO:0015356.

gnomAD v4.1: 2 of 1,614,232 alleles (0.00012%); highest among the groups gnomAD compares: Middle Eastern, 0.016%; no homozygotes.

Submissions (4):

Ambry Genetics
Classification: Likely benign for Hereditary cancer-predisposing syndrome. Last evaluated: 2026-08-29. Review status: criteria provided, single submitter. Criteria: Ambry Variant Classification Scheme 2023. Collection method: clinical testing. Allele origin: germline.

Labcorp Genetics (formerly Invitae), Labcorp
Classification: Likely benign for EGFR-related lung cancer. Last evaluated: 2025-06-07. Review status: criteria provided, single submitter. Criteria: Invitae Variant Classification Sherloc (09022015). Collection method: clinical testing. Allele origin: germline.

Myriad Genetics, Inc.
Classification: Benign for Lung cancer. Last evaluated: 2024-10-16. Review status: criteria provided, single submitter. Criteria: Myriad Autosomal Dominant, Autosomal Recessive and X-Linked Classification Criteria (2023). Collection method: clinical testing. Allele origin: unknown.
Comment: This variant is considered benign. This variant is a silent/synonymous amino acid change and it is not expected to impact splicing.

Laboratory for Molecular Medicine, Mass General Brigham Personalized Medicine
Classification: Likely benign. Last evaluated: 2008-03-01. Review status: no assertion criteria provided. Collection method: clinical testing. Allele origin: somatic. Observed: 2 variant alleles. Not counted in ClinVar's aggregate classification.